The following is an entry in ClinVar:

ClinVar aggregate classification (germline): Pathogenic (1 of 4 stars; one submission).

Conditions:
Neurofibromatosis, type 1 (NF1). Also called: VON RECKLINGHAUSEN DISEASE; NEUROFIBROMATOSIS, TYPE I, SOMATIC; Peripheral type neurofibromatosis; Neurofibromatosis, type I. Identifiers: Orphanet 636, MedGen C0027831, MONDO:0018975, OMIM 162200. Disease mechanism: loss of function.

Submission:

Labcorp Genetics (formerly Invitae), Labcorp
Classification: Pathogenic for Neurofibromatosis, type 1. Last evaluated: 2024-10-17. Review status: criteria provided, single submitter. Criteria: Invitae Variant Classification Sherloc (09022015). Collection method: clinical testing. Allele origin: germline.
Comment: This sequence change creates a premature translational stop signal (p.Arg385Valfs*2) in the NF1 gene. It is expected to result in an absent or disrupted protein product. Loss-of-function variants in NF1 are known to be pathogenic (PMID: 10712197, 23913538). This variant is not present in population databases (gnomAD no frequency). This variant has not been reported in the literature in individuals affected with NF1-related conditions. For these reasons, this variant has been classified as Pathogenic.

Literature cited by the submitters: PubMed 10712197; PubMed 23913538.

NM_001042492.3(NF1):c.1149del (p.Arg385fs)

Gene: NF1 (neurofibromin 1; plus strand). Cytogenetic location: 17q11.2.
Variant type: Deletion.
Coding change: c.1149del on transcript NM_001042492.3 (MANE Select); coding-DNA position 1149, one base deleted (C; older notation c.1149delC).
Protein change: p.Arg385fs; shifts the reading frame from arginine 385.
Molecular consequence: frameshift variant.
Genome position (GRCh38, 1-based): chr17:31,201,123, C deleted. VCF-style (leftmost placement, unchanged base first): chr17-31201122-GC-G. GRCh37 (hg19) VCF-style: chr17-29528140-GC-G.
Other names: c.1149delC, p.Arg385Valfs (NM_000267.4); c.1149del, p.Arg385fs (NM_001128147.3); short protein forms R385fs.
Identifiers: ClinVar variation 2760445 (VCV002760445.3), dbSNP rs2544797299, ClinGen allele CA2697559697.